The following is an entry in ClinVar:

ClinVar aggregate classification (germline): Uncertain significance. Review status: criteria provided, multiple submitters, no conflicts (2 of 4 stars). 2 submissions from 2 submitters: Uncertain significance (2). Last evaluated 2025-05-05.

Conditions:
Autosomal dominant hypocalcemia 1 (HYPOC1). Also called: HYPOCALCEMIA, FAMILIAL. Identifiers: MedGen C3715128, MONDO:0011013, OMIM 601198.
Familial hypocalciuric hypercalcemia (FHH). Also called: Familial benign hypercalcemia. Identifiers: Orphanet 405, MedGen C1809471, MONDO:0018458.
Nephrolithiasis/nephrocalcinosis. Identifiers: MedGen CN580796.

Submissions (2):

Labcorp Genetics (formerly Invitae), Labcorp
Classification: Uncertain significance for Familial hypocalciuric hypercalcemia; Autosomal dominant hypocalcemia 1. Last evaluated: 2025-05-05. Review status: criteria provided, single submitter. Criteria: Invitae Variant Classification Sherloc (09022015). Collection method: clinical testing. Allele origin: germline.
Comment: This sequence change replaces glycine, which is neutral and non-polar, with arginine, which is basic and polar, at codon 518 of the CASR protein (p.Gly518Arg). This variant is not present in population databases (gnomAD no frequency). This variant has not been reported in the literature in individuals affected with CASR-related conditions. ClinVar contains an entry for this variant (Variation ID: 1022530). An algorithm developed to predict the effect of missense changes on protein structure and function (PolyPhen-2) suggests that this variant is likely to be disruptive. In summary, the available evidence is currently insufficient to determine the role of this variant in disease. Therefore, it has been classified as a Variant of Uncertain Significance.

Ambry Genetics
Classification: Uncertain significance for Nephrolithiasis/nephrocalcinosis. Last evaluated: 2022-01-16. Review status: criteria provided, single submitter. Criteria: Ambry Variant Classification Scheme 2023. Collection method: clinical testing. Allele origin: germline.
Comment: The p.G518R variant (also known as c.1552G>A), located in coding exon 4 of the CASR gene, results from a G to A substitution at nucleotide position 1552. The glycine at codon 518 is replaced by arginine, an amino acid with dissimilar properties. This amino acid position is conserved. In addition, this alteration is predicted to be deleterious by in silico analysis. Since supporting evidence is limited at this time, the clinical significance of this alteration remains unclear.

NM_000388.4(CASR):c.1552G>A (p.Gly518Arg)

Gene: CASR (calcium sensing receptor; plus strand). Cytogenetic location: 3q21.1.
Variant type: single nucleotide variant.
Coding change: c.1552G>A on transcript NM_000388.4 (MANE Select); coding-DNA position 1552, G replaced by A.
Protein change: p.Gly518Arg; replaces glycine 518 with arginine.
Molecular consequence: missense variant.
Genome position (GRCh38, 1-based): chr3:122,275,986, G>A. VCF-style: chr3-122275986-G-A. GRCh37 (hg19) VCF-style: chr3-121994833-G-A.
Other names: c.1552G>A, p.Gly518Arg (NM_001178065.2); short protein forms G518R.
Identifiers: ClinVar variation 1022530 (VCV001022530.11), dbSNP rs2074814547, ClinGen allele CA354155389.